The following is an entry in ClinVar:

NM_020884.7(MYH7B):c.1135G>A (p.Asp379Asn)

Gene: MYH7B (myosin heavy chain 7B; plus strand). Cytogenetic location: 20q11.22.
Variant type: single nucleotide variant.
Coding change: c.1135G>A on transcript NM_020884.7 (MANE Select); coding-DNA position 1135, G replaced by A.
Protein change: p.Asp379Asn; replaces aspartic acid 379 with asparagine.
Molecular consequence: missense variant.
Genome position (GRCh38, 1-based): chr20:34,987,275, G>A. VCF-style: chr20-34987275-G-A. GRCh37 (hg19) VCF-style: chr20-33575078-G-A.
Other names: short protein forms D379N.
Identifiers: ClinVar variation 1985653 (VCV001985653.4), dbSNP rs924925102, ClinGen allele CA313471041.
Genomic context (GRCh38, chr20:34,987,275, plus strand): 5'-CTCCTGCACTTTGGCAACATGAAGTTCAAGCAGAAGCAGCGGGAGGAGCAGGCGGAGGCC[G>A]ATGGCACTGAGAGTGAGGGGCCCTAACCTGGCCTTCAACTTGACCCAGACCTCAGCATCC-3'
Protein context (NP_065935.4, residues 369-389): QKQREEQAEA[Asp379Asn]GTESADKAAY

ClinVar aggregate classification (germline): Uncertain significance (1 of 4 stars; one submission).

Allele frequency attached by ClinVar (database versions not stated): gnomAD 0.00001; gnomAD exomes 0.00001; TOPMed 0.00001.
gnomAD v4.1: 17 of 1,610,772 alleles (0.0011%); highest among the groups gnomAD compares: Middle Eastern, 0.045%; no homozygotes.

Submission:

Labcorp Genetics (formerly Invitae), Labcorp
Classification: Uncertain significance. Last evaluated: 2022-09-27. Review status: criteria provided, single submitter. Criteria: Invitae Variant Classification Sherloc (09022015). Collection method: clinical testing. Allele origin: germline.
Comment: This sequence change replaces aspartic acid, which is acidic and polar, with asparagine, which is neutral and polar, at codon 421 of the MYH7B protein (p.Asp421Asn). In summary, the available evidence is currently insufficient to determine the role of this variant in disease. Therefore, it has been classified as a Variant of Uncertain Significance. Advanced modeling of protein sequence and biophysical properties (such as structural, functional, and spatial information, amino acid conservation, physicochemical variation, residue mobility, and thermodynamic stability) performed at Invitae indicates that this missense variant is expected to disrupt MYH7B protein function. This variant has not been reported in the literature in individuals affected with MYH7B-related conditions. The frequency data for this variant in the population databases is considered unreliable, as metrics indicate poor data quality at this position in the gnomAD database.